The following is an entry in ClinVar:

NM_013275.6(ANKRD11):c.727AAC[1] (p.Asn244del)

Gene: ANKRD11 (ankyrin repeat domain containing 11; minus strand). Cytogenetic location: 16q24.3.
Variant type: Microsatellite.
Coding change: c.727AAC[1] on transcript NM_013275.6 (MANE Select); one copy of the 3-base unit AAC starting at c.727; the reference has two copies in a row; one copy, 3 bases deleted.
Protein change: p.Asn244del; deletes asparagine 244.
Molecular consequence: non-coding transcript variant (on NR_045839.2).
Genome position (GRCh38, 1-based): chr16:89,288,540-89,288,542, GTT deleted on the plus strand (AAC on the coding strand, the reverse complement: ANKRD11 is on the minus strand); deleting any 3 consecutive bases within chr16:89,288,540-89,288,546 gives the same sequence; the position shown is the placement nearest the transcript's 3' end. VCF-style (leftmost placement, unchanged base first): chr16-89288539-CGTT-C. GRCh37 (hg19) VCF-style: chr16-89354947-CGTT-C.
Other names: c.727AAC[1], p.Asn244del (NM_001256182.2, NM_001256183.2); short protein forms N244del.
Identifiers: ClinVar variation 3774832 (VCV003774832.1).

ClinVar aggregate classification (germline): Uncertain significance (1 of 4 stars; one submission).

Submission:

GeneDx
Classification: Uncertain significance. Last evaluated: 2024-09-26. Review status: criteria provided, single submitter. Criteria: GeneDx Variant Classification Process June 2021. Collection method: clinical testing. Allele origin: germline. Affected: yes.
Comment: Not observed at significant frequency in large population cohorts (gnomAD); In-frame deletion of 1 amino acid in a non-repeat region; In silico analysis supports a deleterious effect on protein structure/function; Has not been previously published as pathogenic or benign to our knowledge